The following is an entry in ClinVar:

NM_005491.5(MAMLD1):c.1875G>A (p.Gln625=)

Gene: MAMLD1 (mastermind like domain containing 1; plus strand). Cytogenetic location: Xq28.
Variant type: single nucleotide variant.
Coding change: c.1875G>A on transcript NM_005491.5 (MANE Select); coding-DNA position 1875, G replaced by A.
Protein change: p.Gln625=; no amino-acid change (glutamine 625 retained).
Molecular consequence: synonymous variant.
Genome position (GRCh38, 1-based): chrX:150,471,448, G>A. VCF-style: chrX-150471448-G-A. GRCh37 (hg19) VCF-style: chrX-149639720-G-A.
Other names: c.1800G>A, p.Gln600= (NM_001177465.3, NM_001177466.3, NM_001400514.1); c.1875G>A, p.Gln625= (NM_001400512.1, NM_001400513.1, NM_001400515.1).
Identifiers: ClinVar variation 745389 (VCV000745389.10), dbSNP rs782372263, ClinGen allele CA10538870.

ClinVar aggregate classification (germline): Benign. Review status: criteria provided, single submitter (1 of 4 stars). 2 submissions from 2 submitters: Benign (1). 1 of the submissions does not count toward it. Last evaluated 2023-01-26.

Conditions:
MAMLD1-related disorder. Also called: MAMLD1-related condition.

Allele frequency attached by ClinVar (database versions not stated): gnomAD 0.00005; TOPMed 0.00009; gnomAD exomes 0.00010 and 0.00024; ExAC 0.00021.
gnomAD v4.1: 49 of 1,209,961 alleles (0.004%); highest among the groups gnomAD compares: Admixed American, 0.11%; 1 homozygote.

Submissions (2):

Labcorp Genetics (formerly Invitae), Labcorp
Classification: Benign. Last evaluated: 2023-01-26. Review status: criteria provided, single submitter. Criteria: Invitae Variant Classification Sherloc (09022015). Collection method: clinical testing. Allele origin: germline.

PreventionGenetics, part of Exact Sciences
Classification: Likely benign for MAMLD1-related condition. Last evaluated: 2021-01-07. Review status: no assertion criteria provided. Collection method: clinical testing. Allele origin: germline. Not counted in ClinVar's aggregate classification.
Comment: This variant is classified as likely benign based on ACMG/AMP sequence variant interpretation guidelines (Richards et al. 2015 PMID: 25741868, with internal and published modifications).